The following is an entry in ClinVar:

NM_003480.4(MFAP5):c.172+1del

Gene: MFAP5 (microfibril associated protein 5; minus strand). Cytogenetic location: 12p13.31.
Variant type: Deletion.
Coding change: c.172+1del on transcript NM_003480.4 (MANE Select); the canonical splice donor site of the intron after coding-DNA position 172, one base deleted (G; older notation c.172+1delG).
Molecular consequence: splice donor variant.
Genome position (GRCh38, 1-based): chr12:8,655,414, C deleted on the plus strand (G on the coding strand, the reverse complement: MFAP5 is on the minus strand); the first of 2 consecutive C bases (chr12:8,655,414-8,655,415); deleting either gives the same sequence. VCF-style (leftmost placement, unchanged base first): chr12-8655413-AC-A. GRCh37 (hg19) VCF-style: chr12-8808009-AC-A.
Other names: c.136+1del (NM_001297710.2); c.172+1del (NM_001297711.2, NM_001297712.2, NM_001297709.2).
Identifiers: ClinVar variation 1519037 (VCV001519037.9), dbSNP rs1464656353, ClinGen allele CA603402438.

ClinVar aggregate classification (germline): Uncertain significance. Review status: criteria provided, multiple submitters, no conflicts (2 of 4 stars). 2 submissions from 2 submitters: Uncertain significance (2). Last evaluated 2024-11-16.

Conditions:
Cardiovascular phenotype. Identifiers: MedGen CN230736.

Submissions (2):

Labcorp Genetics (formerly Invitae), Labcorp
Classification: Uncertain significance. Last evaluated: 2024-11-16. Review status: criteria provided, single submitter. Criteria: Invitae Variant Classification Sherloc (09022015). Collection method: clinical testing. Allele origin: germline.
Comment: This sequence change affects a splice site in intron 5 of the MFAP5 gene. It is expected to disrupt RNA splicing. Variants that disrupt the donor or acceptor splice site typically lead to a loss of protein function (PMID: 16199547), however the current clinical and genetic evidence is not sufficient to establish whether loss-of-function variants in MFAP5 cause disease. This variant is present in population databases (no rsID available, gnomAD 0.007%). This variant has not been reported in the literature in individuals affected with MFAP5-related conditions. ClinVar contains an entry for this variant (Variation ID: 1519037). Algorithms developed to predict the effect of sequence changes on RNA splicing suggest that this variant may disrupt the consensus splice site. In summary, the available evidence is currently insufficient to determine the role of this variant in disease. Therefore, it has been classified as a Variant of Uncertain Significance.

Ambry Genetics
Classification: Uncertain significance for Cardiovascular phenotype. Last evaluated: 2024-08-09. Review status: criteria provided, single submitter. Criteria: Ambry Variant Classification Scheme 2023. Collection method: clinical testing. Allele origin: germline.
Comment: The c.172+1delG intronic variant is located one nucleotide after coding exon 4 of the MFAP5 gene. This variant results from a deletion of one nucleotide at position c.172+1. This nucleotide position is highly conserved in available vertebrate species. In silico splice site analysis predicts that this alteration will weaken the native splice donor site. Alterations that disrupt the canonical splice site are expected to cause aberrant splicing, resulting in an abnormal protein or a transcript that is subject to nonsense-mediated mRNA decay. However, loss of function of MFAP5 has not been clearly established as a mechanism of disease. The evidence for this gene-disease relationship is limited; therefore, the clinical significance of this alteration is unclear.

Literature cited by the submitters: PubMed 16199547 (cited by Labcorp Genetics (formerly Invitae), Labcorp).